The following is an entry in ClinVar:

ClinVar aggregate classification (germline): Likely benign. Review status: criteria provided, single submitter (1 of 4 stars). 2 submissions from 2 submitters: Likely benign (1). 1 of the submissions does not count toward it. Last evaluated 2024-12-24.

Conditions:
ERBB4-related disorder. Also called: ERBB4-related condition.

Allele frequency attached by ClinVar (database versions not stated): gnomAD 0.00001; gnomAD exomes 0.00001; TOPMed 0.00001.
gnomAD v4.1: 18 of 1,611,800 alleles (0.0011%); highest among the groups gnomAD compares: Non-Finnish European, 0.0015%; no homozygotes.

Submissions (2):

Labcorp Genetics (formerly Invitae), Labcorp
Classification: Likely benign. Last evaluated: 2024-12-24. Review status: criteria provided, single submitter. Criteria: Invitae Variant Classification Sherloc (09022015). Collection method: clinical testing. Allele origin: germline.

PreventionGenetics, part of Exact Sciences
Classification: Uncertain significance for ERBB4-related condition. Last evaluated: 2024-08-13. Review status: no assertion criteria provided. Collection method: clinical testing. Allele origin: germline. Not counted in ClinVar's aggregate classification.
Comment: The ERBB4 c.477C>T variant is not predicted to result in an amino acid change (p.=). This variant is predicted to impact splicing; however, this is based on computational modeling and this variant has not been functionally validated (SpliceAI, Jaganathan et al. 2019. PubMed ID: 30661751). To our knowledge, this variant has not been reported in the literature. This variant is reported in 0.00088% of alleles in individuals of European (Non-Finnish) descent in gnomAD. At this time, the clinical significance of this variant is uncertain due to the absence of conclusive functional and genetic evidence.

NM_005235.3(ERBB4):c.477C>T (p.Asp159=)

Gene: ERBB4 (erb-b2 receptor tyrosine kinase 4; minus strand). Cytogenetic location: 2q34.
Variant type: single nucleotide variant.
Coding change: c.477C>T on transcript NM_005235.3 (MANE Select); coding-DNA position 477, C replaced by T.
Protein change: p.Asp159=; no amino-acid change (aspartic acid 159 retained).
Molecular consequence: synonymous variant.
Genome position (GRCh38, 1-based): chr2:211,788,104, G>A on the plus strand (C>T on the coding strand, the complement: ERBB4 is on the minus strand). VCF-style: chr2-211788104-G-A. GRCh37 (hg19) VCF-style: chr2-212652829-G-A.
Other names: c.477C>T, p.Asp159= (NM_001042599.2).
Identifiers: ClinVar variation 2895410 (VCV002895410.4), dbSNP rs1239168575, ClinGen allele CA431150587.